The following is an entry in ClinVar:

NM_004239.4(TRIP11):c.3507del (p.Asp1170fs)

Gene: TRIP11 (thyroid hormone receptor interactor 11; minus strand). Cytogenetic location: 14q32.12.
Variant type: Deletion.
Coding change: c.3507del on transcript NM_004239.4 (MANE Select); coding-DNA position 3507, one base deleted (A; older notation c.3507delA).
Protein change: p.Asp1170fs; shifts the reading frame from aspartic acid 1170.
Molecular consequence: frameshift variant.
Genome position (GRCh38, 1-based): chr14:92,004,469, T deleted on the plus strand (A on the coding strand, the reverse complement: TRIP11 is on the minus strand); the first of 5 consecutive T bases (chr14:92,004,469-92,004,473); deleting any one gives the same sequence. VCF-style (leftmost placement, unchanged base first): chr14-92004468-CT-C. GRCh37 (hg19) VCF-style: chr14-92470812-CT-C.
Other names: c.3504del, p.Asp1169fs (NM_001321851.1); short protein forms D1169fs, D1170fs.
Identifiers: ClinVar variation 2791084 (VCV002791084.3), dbSNP rs2543028196, ClinGen allele CA2739280102.

ClinVar aggregate classification (germline): Pathogenic (1 of 4 stars; one submission).

Conditions:
Achondrogenesis, type IA (ACG1A). Identifiers: Orphanet 932, Orphanet 93299, MedGen C0265273, MONDO:0008701, OMIM 200600.

Submission:

Labcorp Genetics (formerly Invitae), Labcorp
Classification: Pathogenic for Achondrogenesis, type IA. Last evaluated: 2025-10-26. Review status: criteria provided, single submitter. Criteria: Invitae Variant Classification Sherloc (09022015). Collection method: clinical testing. Allele origin: germline.
Comment: This sequence change creates a premature translational stop signal (p.Asp1170Thrfs*4) in the TRIP11 gene. It is expected to result in an absent or disrupted protein product. Loss-of-function variants in TRIP11 are known to be pathogenic (PMID: 20089971, 23956106). This variant is not present in population databases (gnomAD no frequency). This variant has not been reported in the literature in individuals affected with TRIP11-related conditions. ClinVar contains an entry for this variant (Variation ID: 2791084). For these reasons, this variant has been classified as Pathogenic.

Literature cited by the submitters: PubMed 20089971; PubMed 23956106.